The following is an entry in ClinVar:

NM_001940.4(ATN1):c.3167A>C (p.His1056Pro)

Gene: ATN1 (atrophin 1; plus strand). Cytogenetic location: 12p13.31.
Variant type: single nucleotide variant.
Coding change: c.3167A>C on transcript NM_001940.4 (MANE Select); coding-DNA position 3167, A replaced by C.
Protein change: p.His1056Pro; replaces histidine 1056 with proline.
Molecular consequence: missense variant.
Genome position (GRCh38, 1-based): chr12:6,939,130, A>C. VCF-style: chr12-6939130-A-C. GRCh37 (hg19) VCF-style: chr12-7048293-A-C.
Other names: c.3167A>C, p.His1056Pro (NM_001007026.2); short protein forms H1056P.
Identifiers: ClinVar variation 1027367 (VCV001027367.2), dbSNP rs967375653, ClinGen allele CA232431144.

ClinVar aggregate classification (germline): Likely pathogenic (0 of 4 stars; one submission).

Conditions:
Congenital hypotonia, epilepsy, developmental delay, and digital anomalies (CHEDDA). Also called: ATN1-Related Neurodevelopmental Disorder. Identifiers: MedGen C5193125, MONDO:0032781, OMIM 618494.

Submission:

Sydney Children's Hospital, SCHN
Classification: Likely pathogenic for Congenital hypotonia, epilepsy, developmental delay, and digital anomalies. Last evaluated: 2021-03-13. Review status: no assertion criteria provided. Collection method: clinical testing. Allele origin: de novo. Inheritance: Autosomal dominant inheritance. Affected: yes. Observed: 1 variant allele, 1 heterozygote.